The following is an entry in ClinVar:

ClinVar aggregate classification (germline): Pathogenic/Likely pathogenic. Review status: criteria provided, multiple submitters, no conflicts (2 of 4 stars). 2 submissions from 2 submitters: Pathogenic (1); Likely pathogenic (1). Last evaluated 2025-03-31.

Conditions:
Autosomal recessive nonsyndromic hearing loss 18A. Also called: DEAFNESS, AUTOSOMAL RECESSIVE 18; Deafness, autosomal recessive 18A. Identifiers: Orphanet 90636, MedGen C1865870, MONDO:0011192, OMIM 602092.

Submissions (2):

Labcorp Genetics (formerly Invitae), Labcorp
Classification: Pathogenic. Last evaluated: 2025-03-31. Review status: criteria provided, single submitter. Criteria: Invitae Variant Classification Sherloc (09022015). Collection method: clinical testing. Allele origin: germline.
Comment: This sequence change creates a premature translational stop signal (p.Glu306Alafs*54) in the USH1C gene. It is expected to result in an absent or disrupted protein product. Loss-of-function variants in USH1C are known to be pathogenic (PMID: 10973247, 17407589, 20301442, 21203349). This variant is not present in population databases (gnomAD no frequency). This variant has not been reported in the literature in individuals affected with USH1C-related conditions. For these reasons, this variant has been classified as Pathogenic.

Baylor Genetics
Classification: Likely pathogenic for Autosomal recessive nonsyndromic hearing loss 18A. Last evaluated: 2023-08-17. Review status: criteria provided, single submitter. Criteria: ACMG Guidelines, 2015. Collection method: clinical testing. Allele origin: unknown.

Literature cited by the submitters: PubMed 10973247 (cited by Labcorp Genetics (formerly Invitae), Labcorp); PubMed 17407589 (cited by Labcorp Genetics (formerly Invitae), Labcorp); PubMed 20301442 (cited by Labcorp Genetics (formerly Invitae), Labcorp); PubMed 21203349 (cited by Labcorp Genetics (formerly Invitae), Labcorp).

NM_153676.4(USH1C):c.917_938delinsCTTGCC (p.Glu306fs)

Gene: USH1C (USH1 protein network component harmonin; minus strand). Cytogenetic location: 11p15.1.
Variant type: Indel.
Coding change: c.917_938delinsCTTGCC on transcript NM_153676.4 (MANE Select); coding-DNA positions 917 to 938, AGGCGCGGCAGCGTGAGCTGCA replaced by CTTGCC.
Protein change: p.Glu306fs; shifts the reading frame from glutamic acid 306.
Molecular consequence: frameshift variant. On other transcripts: non-coding transcript variant (1).
Genome position (GRCh38, 1-based): chr11:17,522,865-17,522,886, TGCAGCTCACGCTGCCGCGCCT replaced by GGCAAG on the plus strand (AGGCGCGGCAGCGTGAGCTGCA replaced by CTTGCC on the coding strand, the reverse complement: USH1C is on the minus strand). VCF-style: chr11-17522865-TGCAGCTCACGCTGCCGCGCCT-GGCAAG. GRCh37 (hg19) VCF-style: chr11-17544412-TGCAGCTCACGCTGCCGCGCCT-GGCAAG.
Other names: c.860_881delinsCTTGCC, p.Glu287fs (NM_001297764.2); c.917_938delinsCTTGCC, p.Glu306fs (NM_005709.4); short protein forms E287fs, E306fs.
Identifiers: ClinVar variation 2039338 (VCV002039338.5), dbSNP rs2497155607, ClinGen allele CA2580082785.